The following is an entry in ClinVar:

NM_000051.4(ATM):c.8265T>G (p.Tyr2755Ter)

Genes: ATM (ATM serine/threonine kinase; plus strand), C11orf65 (chromosome 11 open reading frame 65; minus strand). Cytogenetic location: 11q22.3.
Variant type: single nucleotide variant.
Coding change: c.8265T>G on transcript NM_000051.4 (MANE Select); coding-DNA position 8265, T replaced by G.
Protein change: p.Tyr2755Ter; replaces tyrosine 2755 with a stop codon.
Molecular consequence: nonsense. On other transcripts: intron variant (2).
Genome position (GRCh38, 1-based): chr11:108,335,958, T>G. VCF-style: chr11-108335958-T-G. GRCh37 (hg19) VCF-style: chr11-108206685-T-G.
Other names: c.8265T>G, p.Tyr2755Ter (NM_001351834.2); c.641-26887A>C (NM_001330368.2); c.695-666A>C (NM_001351110.2); short protein forms Y2755*.
Identifiers: ClinVar variation 246093 (VCV000246093.12), dbSNP rs758654836, ClinGen allele CA10584371.
Genomic context (GRCh38, chr11:108,335,958, plus strand): 5'-TAATACATTACTGCAGAGAAACACGGAAACTAGGAAGAGGAAATTAACTATCTGTACTTA[T>G]AAGGTAACTATTTGTACTTCTGTTAGTTCACCAAAAACATATAAAAGATGCCATTTGGTT-3'

ClinVar aggregate classification (germline): Pathogenic. Review status: criteria provided, multiple submitters, no conflicts (2 of 4 stars). 5 submissions from 5 submitters: Pathogenic (5). Last evaluated 2025-08-06.

Conditions:
Inherited breast cancer and ovarian cancer.
Hereditary cancer-predisposing syndrome. Also called: Neoplastic Syndromes, Hereditary; Hereditary neoplastic syndrome; Tumor predisposition; Hereditary Cancer Syndrome. Identifiers: Orphanet 140162, MedGen C0027672, MeSH D009386, MONDO:0015356.
Ataxia-telangiectasia syndrome (AT). Also called: Ataxia telangiectasia (A-T); Cerebello-oculocutaneous telangiectasia; Immunodeficiency with ataxia telangiectasia; LOUIS-BAR SYNDROME; AT, COMPLEMENTATION GROUP C; ATAXIA-TELANGIECTASIA, FRESNO VARIANT. Identifiers: Orphanet 100, MedGen C0004135, MONDO:0008840, OMIM 208900.
Familial cancer of breast. Also called: hereditary breast carcinoma; Hereditary breast cancer; BREAST CANCER, FAMILIAL. Identifiers: Orphanet 227535, MedGen C0346153, MONDO:0016419, OMIM 114480. Disease mechanism: loss of function.

Submissions (5):

Genetics Laboratory, Great Ormond Street Hospital NHS Foundation Trust, North Thames Genomic Laboratory Hub
Classification: Pathogenic for Inherited breast cancer and ovarian cancer. Last evaluated: 2025-08-06. Review status: criteria provided, single submitter. Criteria: CanVIG ATM Gene Specific V1.2. Collection method: clinical testing. Allele origin: germline. Affected: yes.
Comment: PM2_moderate, PVS1_very-strong, PM5_supporting

Myriad Genetics, Inc.
Classification: Pathogenic for Familial cancer of breast. Last evaluated: 2024-02-01. Review status: criteria provided, single submitter. Criteria: Myriad Autosomal Dominant, Autosomal Recessive and X-Linked Classification Criteria (2023). Collection method: clinical testing. Allele origin: unknown.
Comment: This variant is considered pathogenic. This variant creates a termination codon and is predicted to result in premature protein truncation.

Labcorp Genetics (formerly Invitae), Labcorp
Classification: Pathogenic for Ataxia-telangiectasia syndrome. Last evaluated: 2022-05-12. Review status: criteria provided, single submitter. Criteria: Invitae Variant Classification Sherloc (09022015). Collection method: clinical testing. Allele origin: germline.
Comment: This sequence change creates a premature translational stop signal (p.Tyr2755*) in the ATM gene. It is expected to result in an absent or disrupted protein product. Loss-of-function variants in ATM are known to be pathogenic (PMID: 23807571, 25614872). This variant is not present in population databases (gnomAD no frequency). This premature translational stop signal has been observed in individual(s) with clinical features of ATM-related conditions (PMID: 22213089, 25428789, 28726808). ClinVar contains an entry for this variant (Variation ID: 246093). Algorithms developed to predict the effect of sequence changes on RNA splicing suggest that this variant may create or strengthen a splice site. For these reasons, this variant has been classified as Pathogenic.

Ambry Genetics
Classification: Pathogenic for Hereditary cancer-predisposing syndrome. Last evaluated: 2022-01-10. Review status: criteria provided, single submitter. Criteria: Ambry Variant Classification Scheme 2023. Collection method: clinical testing. Allele origin: germline.
Comment: The p.Y2755* pathogenic mutation (also known as c.8265T>G), located in coding exon 55 of the ATM gene, results from a T to G substitution at nucleotide position 8265. This changes the amino acid from a tyrosine to a stop codon within coding exon 55. In addition to the clinical data presented in the literature, this alteration is expected to result in loss of function by premature protein truncation or nonsense-mediated mRNA decay. As such, this alteration is interpreted as a disease-causing mutation.

GeneDx
Classification: Pathogenic. Last evaluated: 2015-12-07. Review status: criteria provided, single submitter. Criteria: GeneDx Variant Classification (06012015). Collection method: clinical testing. Allele origin: germline. Affected: yes.
Comment: This pathogenic variant is denoted ATM c.8265T>G at the cDNA level and p.Tyr2755Ter (Y2755X) at the protein level. The substitution creates a nonsense variant, which changes a Tyrosine to a premature stop codon (TAT>TAG) , and is predicted to cause loss of normal protein function through either protein truncation or nonsense-mediated mRNA decay. This variant has been reported in at least one case of early onset breast cancer (Churpek 2015) and is considered pathogenic.

Literature cited by the submitters: PubMed 23807571 (cited by Labcorp Genetics (formerly Invitae), Labcorp); PubMed 25614872 (cited by Labcorp Genetics (formerly Invitae), Labcorp); PubMed 22213089 (cited by Labcorp Genetics (formerly Invitae), Labcorp); PubMed 25428789 (cited by Labcorp Genetics (formerly Invitae), Labcorp and Ambry Genetics); PubMed 28726808 (cited by Labcorp Genetics (formerly Invitae), Labcorp).